The following is an entry in ClinVar:

ClinVar aggregate classification (germline): Uncertain significance (1 of 4 stars; one submission).

Submission:

Dasa
Classification: Uncertain significance. Last evaluated: 2026-04-24. Review status: criteria provided, single submitter. Criteria: DASA Assertion Criteria. Collection method: clinical testing. Allele origin: germline.
Comment: NM_001291303.3(FAT4):c.874G>A (p.Glu292Lys) is a missense variant that results in the substitution of glutamic acid with lysine. This variant is rare in population databases. The currently available literature and clinical evidence are not sufficient to establish a definitive association between this variant and the reported condition. Therefore, this variant is classified as a variant of uncertain significance.

NM_001291303.3(FAT4):c.874G>A (p.Glu292Lys)

Gene: FAT4 (FAT atypical cadherin 4; plus strand). Cytogenetic location: 4q28.1.
Variant type: single nucleotide variant.
Coding change: c.874G>A on transcript NM_001291303.3 (MANE Select); coding-DNA position 874, G replaced by A.
Protein change: p.Glu292Lys; replaces glutamic acid 292 with lysine.
Molecular consequence: missense variant. On other transcripts: intron variant (1).
Genome position (GRCh38, 1-based): chr4:125,317,285, G>A. VCF-style: chr4-125317285-G-A. GRCh37 (hg19) VCF-style: chr4-126238440-G-A.
Other names: c.874G>A, p.Glu292Lys (NM_001438396.1, NM_001438397.1, NM_024582.6 and 1 more transcripts); c.-55+1308G>A (NM_001437895.1); short protein forms E292K.
Identifiers: ClinVar variation 4880952 (VCV004880952.2).
Genomic context (GRCh38, chr4:125,317,285, plus strand): 5'-GTGGCGGCGGCGGACGCGGACGAGGGCACCAACGCGGACATCCGCTATCGCCTGCAGGAC[G>A]AGGGGACCCCCTTCCAAATGGACCCTGAGACGGGACTTATCACGGTGCGGGAGCCCCTGG-3'
Protein context (NP_001278232.1, residues 282-302): NADIRYRLQD[Glu292Lys]GTPFQMDPET